The following is an entry in ClinVar:

ClinVar aggregate classification (germline): Benign/Likely benign. Review status: criteria provided, multiple submitters, no conflicts (2 of 4 stars). 7 submissions from 7 submitters: Benign (3); Likely benign (4). Last evaluated 2026-01-21.

Conditions:
Familial sleep-related hypermotor epilepsy. Also called: Autosomal Dominant Sleep-Related Hypermotor (Hyperkinetic) Epilepsy. Identifiers: Orphanet 98784, MedGen C3696898, MONDO:0000030.
Inborn genetic diseases. Identifiers: MedGen C0950123, MeSH D030342.

Allele frequency attached by ClinVar (database versions not stated): 1000 Genomes Project 30x 0.00016; 1000 Genomes Project 0.00020; gnomAD 0.00058 and 0.00063; gnomAD exomes 0.00063 and 0.00094; TOPMed 0.00070; ExAC 0.00071; ESP Exome Variant Server 0.00077.

Submissions (7):

Labcorp Genetics (formerly Invitae), Labcorp
Classification: Benign. Last evaluated: 2026-01-21. Review status: criteria provided, single submitter. Criteria: Invitae Variant Classification Sherloc (09022015). Collection method: clinical testing. Allele origin: germline.

CeGaT Center for Human Genetics Tuebingen
Classification: Likely benign. Last evaluated: 2026-01-01. Review status: criteria provided, single submitter. Criteria: CeGaT Center For Human Genetics Tuebingen Variant Classification Criteria Version 2. Collection method: clinical testing. Allele origin: germline. Affected: yes. Observed: 10 variant alleles.
Comment: CHRNB2: BS1

Athena Diagnostics
Classification: Benign. Last evaluated: 2025-04-14. Review status: criteria provided, single submitter. Criteria: Athena Diagnostics Criteria. Collection method: clinical testing. Allele origin: unknown.
Comment: The frequency of this variant in the general population is higher than would generally be expected for pathogenic variants in this gene.

Blueprint Genetics
Classification: Likely benign. Last evaluated: 2024-10-31. Review status: criteria provided, single submitter. Criteria: ACMG Guidelines, 2015. Collection method: clinical testing. Allele origin: germline.

Eurofins Ntd Llc (ga)
Classification: Likely benign. Last evaluated: 2018-06-15. Review status: criteria provided, single submitter. Criteria: EGL ClinVar v180209 classification definitions. Collection method: clinical testing. Allele origin: germline. Observed: 2 variant alleles, 2 heterozygotes.

Ambry Genetics
Classification: Likely benign for Inborn genetic diseases. Last evaluated: 2017-01-16. Review status: criteria provided, single submitter. Criteria: Ambry Variant Classification Scheme 2023. Collection method: clinical testing. Allele origin: germline.

GeneDx
Classification: Benign. Last evaluated: 2014-05-12. Review status: criteria provided, single submitter. Criteria: GeneDx Variant Classification (06012015). Collection method: clinical testing. Allele origin: germline. Affected: yes.
Comment: This variant is considered likely benign or benign based on one or more of the following criteria: it is a conservative change, it occurs at a poorly conserved position in the protein, it is predicted to be benign by multiple in silico algorithms, and/or has population frequency not consistent with disease.

Literature cited by the submitters: PubMed 21703448 (cited by Athena Diagnostics).

NM_000748.3(CHRNB2):c.1482A>G (p.Ser494=)

Gene: CHRNB2 (cholinergic receptor nicotinic beta 2 subunit; plus strand). Cytogenetic location: 1q21.3.
Variant type: single nucleotide variant.
Coding change: c.1482A>G on transcript NM_000748.3 (MANE Select); coding-DNA position 1482, A replaced by G.
Protein change: p.Ser494=; no amino-acid change (serine 494 retained).
Molecular consequence: synonymous variant.
Genome position (GRCh38, 1-based): chr1:154,575,905, A>G. VCF-style: chr1-154575905-A-G. GRCh37 (hg19) VCF-style: chr1-154548381-A-G.
Other names: p.S494S:TCA>TCG.
Identifiers: ClinVar variation 136773 (VCV000136773.51), dbSNP rs8192486, ClinGen allele CA290096.